The following is an entry in ClinVar:

NM_003640.5(ELP1):c.2624_2625del (p.Glu875fs)

Gene: ELP1 (elongator acetyltransferase complex subunit 1; minus strand). Cytogenetic location: 9q31.3.
Variant type: Deletion.
Coding change: c.2624_2625del on transcript NM_003640.5 (MANE Select); coding-DNA positions 2624 to 2625, 2 bases deleted (AA; older notation c.2624_2625delAA).
Protein change: p.Glu875fs; shifts the reading frame from glutamic acid 875.
Molecular consequence: frameshift variant.
Genome position (GRCh38, 1-based): chr9:108,896,607-108,896,608, TT deleted on the plus strand (AA on the coding strand, the reverse complement: ELP1 is on the minus strand). VCF-style (leftmost placement, unchanged base first): chr9-108896606-CTT-C. GRCh37 (hg19) VCF-style: chr9-111658886-CTT-C.
Other names: c.2282_2283del, p.Glu761fs (NM_001318360.2); c.1577_1578del, p.Glu526fs (NM_001330749.2); short protein forms E526fs, E761fs, E875fs.
Identifiers: ClinVar variation 1799840 (VCV001799840.3), dbSNP rs1828556135, ClinGen allele CA1127934880.
Genomic context (GRCh38, chr9:108,896,606, plus strand): 5'-CAAGAGAATGATCATATAATTCATTAACATCTACCAGATGCAGCAAATATTTCAAGGCCT[CTT>C]CAGCACTCACAGCATCAGGATCAGAGGGAGCATTTCCTAACAGTGTTTAGAAAACAAAAC-3'

ClinVar aggregate classification (germline): Pathogenic. Review status: criteria provided, multiple submitters, no conflicts (2 of 4 stars). 2 submissions from 2 submitters: Pathogenic (2). Last evaluated 2026-06-17.

Conditions:
Familial dysautonomia. Also called: HSAN III; FD. Identifiers: Orphanet 1764, MedGen C0013364, MONDO:0009131, OMIM 223900. Disease mechanism: loss of function.

Allele frequency attached by ClinVar (database versions not stated): TOPMed below 0.00001; gnomAD 0.00001.

Submissions (2):

Myriad Genetics, Inc.
Classification: Pathogenic for Familial dysautonomia. Last evaluated: 2026-06-17. Review status: criteria provided, single submitter. Criteria: Myriad Autosomal Dominant, Autosomal Recessive and X-Linked Classification Criteria (2023). Collection method: clinical testing. Allele origin: unknown.
Comment: NM_003640.3(ELP1):c.2624_2625delAA(E875Gfs*13) is expected to be pathogenic in the context of familial dysautonomia. This variant is predicted to lead to an abnormal or absent protein product due to the creation of a premature termination codon in ELP1, a gene where loss-of-function variants are known to be pathogenic. Please note: this variant was assessed in the context of healthy population screening.

Ambry Genetics
Classification: Pathogenic. Last evaluated: 2021-04-30. Review status: criteria provided, single submitter. Criteria: Ambry Variant Classification Scheme 2023. Collection method: clinical testing. Allele origin: germline.
Comment: The c.2624_2625delAA pathogenic mutation, located in coding exon 24 of the IKBKAP gene, results from a deletion of two nucleotides at nucleotide positions 2624 to 2625, causing a translational frameshift with a predicted alternate stop codon (p.E875Gfs*13). This variant is considered to be rare based on population cohorts in the Genome Aggregation Database (gnomAD). This alteration is expected to result in loss of function by premature protein truncation or nonsense-mediated mRNA decay. As such, this alteration is interpreted as a disease-causing mutation.